The following is an entry in ClinVar:

ClinVar aggregate classification (germline): Uncertain significance (1 of 4 stars; one submission).

Conditions:
Maturity-onset diabetes of the young (MODY). Also called: Maturity onset diabetes mellitus in young. Identifiers: Orphanet 552, MedGen C0342276, MONDO:0018911, HP:0004904.

Submission:

Clinical Genomics, Uppaluri K&H Personalized Medicine Clinic
Classification: Uncertain significance for Maturity-onset diabetes of the young. Review status: criteria provided, single submitter. Criteria: K & H Uppaluri Personalized Medicine Clinic Variant Classification & Assertion Criteria_Updated V.1. Collection method: research. Allele origin: unknown. Inheritance: Autosomal dominant inheritance.
Comment: Potent mutations in HNF4A are associated with poor insulin secretion in response to hyperglycemia. Associated with MODY1. Patients initially respond well to sulfonylureas but eventually become insulin dependent. However, more evidence is required to ascertain the role of this particular variant rs11450239 in MODY, yet.

Literature cited by the submitters: DOI 10.1159/000334532; PubMed 18268044; PubMed 17563455; PubMed 32583173; PubMed 35052457; PubMed 35118593.

NM_175914.5(HNF4A):c.*2698_*2703dup

Gene: HNF4A (hepatocyte nuclear factor 4 alpha; plus strand). Cytogenetic location: 20q13.12.
Variant type: Duplication.
Coding change: c.*2698_*2703dup on transcript NM_175914.5 (MANE Select); 2698 bases downstream of the stop codon through 2703 bases downstream of the stop codon, 6 bases duplicated (TTTTTT; older notation c.*2698_*2703dupTTTTTT).
Molecular consequence: 3 prime UTR variant.
Genome position (GRCh38, 1-based): chr20:44,432,363-44,432,368, TTTTTT duplicated; duplicating any 6 consecutive bases within chr20:44,432,345-44,432,368 gives the same sequence; the c. name uses the placement nearest the transcript's 3' end. VCF-style (leftmost placement, unchanged base first): chr20-44432344-C-CTTTTTT. GRCh37 (hg19) VCF-style: chr20-43060984-C-CTTTTTT.
Other names: c.*2698_*2703dup (NM_000457.6, NM_001030003.3, NM_001258355.2 and 3 more transcripts).
Identifiers: ClinVar variation 2442318 (VCV002442318.1), dbSNP rs11450239, ClinGen allele CA1017838663.
Genomic context (GRCh38, chr20:44,432,344, plus strand): 5'-CAAAACAAAGTTTACTTTTTTGACTCTAAGCTGACATGATATTAGAAAATCTCTCGCTCT[C>CTTTTTT]TTTTTTTTTTTTTTTTTTTTTTTTGGCTACTTGAGTTGTGGTCCTAAAACATAAAATCTG-3'